The following is an entry in ClinVar:

ClinVar aggregate classification (germline): Pathogenic (1 of 4 stars; one submission).

Conditions:
Muscular dystrophy-dystroglycanopathy (congenital with impaired intellectual development), type B, 3. Also called: Muscular dystrophy-dystroglycanopathy (congenital with intellectual disability), type B3; MUSCULAR DYSTROPHY, CONGENITAL, POMGNT1-RELATED. Identifiers: MedGen C3150412, MONDO:0013155, OMIM 613151.
Autosomal recessive limb-girdle muscular dystrophy type 2O. Also called: Limb-Girdle Muscular Dystrophy Type 3C; MUSCULAR DYSTROPHY-DYSTROGLYCANOPATHY (LIMB-GIRDLE), TYPE C, 3; MUSCULAR DYSTROPHY-DYSTROGLYCANOPATHY, LIMB-GIRDLE, POMGNT1-RELATED. Identifiers: Orphanet 206564, MedGen C3150417, MONDO:0013161, OMIM 613157.

Submission:

Labcorp Genetics (formerly Invitae), Labcorp
Classification: Pathogenic for Autosomal recessive limb-girdle muscular dystrophy type 2O; Muscular dystrophy-dystroglycanopathy (congenital with impaired intellectual development), type B, 3. Last evaluated: 2023-04-26. Review status: criteria provided, single submitter. Criteria: Invitae Variant Classification Sherloc (09022015). Collection method: clinical testing. Allele origin: unknown.
Comment: This variant is a gross deletion of the genomic region encompassing exon(s) 20-22 of the POMGNT1 gene, which includes the termination codon. This deletion extends beyond the assayed region for this gene and therefore may encompass additional genes. While this deletion is not anticipated to lead to nonsense mediated decay, it is expected to alter mRNA translation or result in a truncated protein product. For these reasons, this variant has been classified as Pathogenic. This variant disrupts a region of the POMGNT1 protein in which other variant(s) (p.Arg605His) have been determined to be pathogenic (PMID: 12849864, 21361872; Invitae). This suggests that this is a clinically significant region of the protein, and that variants that disrupt it are likely to be disease-causing. This variant has not been reported in the literature in individuals affected with POMGNT1-related conditions.

Literature cited by the submitters: PubMed 12849864; PubMed 21361872.

NC_000001.10:g.(?_46654942)_(46655681_?)del

Gene: POMGNT1 (protein O-linked mannose N-acetylglucosaminyltransferase 1 (beta 1,2-); minus strand). Cytogenetic location: 1p34.1.
Variant type: Deletion.
Identifiers: ClinVar variation 3247801 (VCV003247801.1).